The following is an entry in ClinVar:

NM_001848.3(COL6A1):c.1132G>C (p.Ala378Pro)

Gene: COL6A1 (collagen type VI alpha 1 chain; plus strand). Cytogenetic location: 21q22.3.
Variant type: single nucleotide variant.
Coding change: c.1132G>C on transcript NM_001848.3 (MANE Select); coding-DNA position 1132, G replaced by C.
Protein change: p.Ala378Pro; replaces alanine 378 with proline.
Molecular consequence: missense variant.
Genome position (GRCh38, 1-based): chr21:45,992,022, G>C. VCF-style: chr21-45992022-G-C. GRCh37 (hg19) VCF-style: chr21-47411936-G-C.
Other names: short protein forms A378P.
Identifiers: ClinVar variation 372826 (VCV000372826.1), dbSNP rs1057518005, ClinGen allele CA16043157.

ClinVar aggregate classification (germline): Likely pathogenic (1 of 4 stars; one submission).

Submission:

GeneDx
Classification: Likely pathogenic. Last evaluated: 2016-01-05. Review status: criteria provided, single submitter. Criteria: GeneDx Variant Classification (06012015). Collection method: clinical testing. Allele origin: germline. Affected: yes.
Comment: The A378P variant in the COL6A1 gene has not been reported previously as a pathogenic variant, nor as a benign variant, to our knowledge. The A378P variant was not observed in approximately 6,500 individuals of European and African American ancestry in the NHLBI Exome Sequencing Project, indicating it is not a common benign variant in these populations. The A378P variant is a semi-conservative amino acid substitution, which may impact secondary protein structure as these residues differ in some properties. This substitution occurs at a position that is not conserved. In silico analysis is inconsistent in its predictions as to whether or not the variant is damaging to the protein structure/function. The A378P variant is a strong candidate for a pathogenic variant. However, the possibility it may be a rare benign variant cannot be excluded.